The following is an entry in ClinVar:

NM_001848.3(COL6A1):c.1579T>A (p.Tyr527Asn)

Gene: COL6A1 (collagen type VI alpha 1 chain; plus strand). Cytogenetic location: 21q22.3.
Variant type: single nucleotide variant.
Coding change: c.1579T>A on transcript NM_001848.3 (MANE Select); coding-DNA position 1579, T replaced by A.
Protein change: p.Tyr527Asn; replaces tyrosine 527 with asparagine.
Molecular consequence: missense variant.
Genome position (GRCh38, 1-based): chr21:45,998,401, T>A. VCF-style: chr21-45998401-T-A. GRCh37 (hg19) VCF-style: chr21-47418315-T-A.
Other names: short protein forms Y527N.
Identifiers: ClinVar variation 4717262 (VCV004717262.1).
Genomic context (GRCh38, chr21:45,998,401, plus strand): 5'-CACAGCCTCCCCTCTCAAATCAGAACCCGGTATCACTGCCCTGCTTTTCCATGACAGGGG[T>A]ATCCGGGCAACAGGGGCGCTCCCGGGATAAACGTGAGTACGCCCCCTCCTCCATCTGGCT-3'
Protein context (NP_001839.2, residues 517-537): GTEGFPGFPG[Tyr527Asn]PGNRGAPGIN

ClinVar aggregate classification (germline): Uncertain significance (1 of 4 stars; one submission).

Conditions:
Bethlem myopathy 1A. Also called: MYOPATHY, BENIGN CONGENITAL, WITH CONTRACTURES; Bethlem myopathy 1; Bethlem Muscular Dystrophy. Identifiers: Orphanet 610, MedGen CN029274, MONDO:0024530, OMIM 158810.

Submission:

Labcorp Genetics (formerly Invitae), Labcorp
Classification: Uncertain significance for Bethlem myopathy 1A. Last evaluated: 2025-10-13. Review status: criteria provided, single submitter. Criteria: Invitae Variant Classification Sherloc (09022015). Collection method: clinical testing. Allele origin: germline.
Comment: This sequence change replaces tyrosine, which is neutral and polar, with asparagine, which is neutral and polar, at codon 527 of the COL6A1 protein (p.Tyr527Asn). This variant is not present in population databases (gnomAD no frequency). This variant has not been reported in the literature in individuals affected with COL6A1-related conditions. Invitae Evidence Modeling of protein sequence and biophysical properties (such as structural, functional, and spatial information, amino acid conservation, physicochemical variation, residue mobility, and thermodynamic stability) indicates that this missense variant is expected to disrupt COL6A1 protein function with a positive predictive value of 80%. In summary, the available evidence is currently insufficient to determine the role of this variant in disease. Therefore, it has been classified as a Variant of Uncertain Significance.